The following is an entry in ClinVar:

NM_003482.4(KMT2D):c.9101A>G (p.Asn3034Ser)

Gene: KMT2D (lysine methyltransferase 2D; minus strand). Cytogenetic location: 12q13.12.
Variant type: single nucleotide variant.
Coding change: c.9101A>G on transcript NM_003482.4 (MANE Select); coding-DNA position 9101, A replaced by G.
Protein change: p.Asn3034Ser; replaces asparagine 3034 with serine.
Molecular consequence: missense variant.
Genome position (GRCh38, 1-based): chr12:49,038,255, T>C on the plus strand (A>G on the coding strand, the complement: KMT2D is on the minus strand). VCF-style: chr12-49038255-T-C. GRCh37 (hg19) VCF-style: chr12-49432038-T-C.
Other names: KABUK1; c.9101A>G (NM_003482.3); short protein forms N3034S.
Identifiers: ClinVar variation 1424938 (VCV001424938.9), dbSNP rs748817042, ClinGen allele CA6546744.
Genomic context (GRCh38, chr12:49,038,255, plus strand): 5'-TCAGTATATGCCAGCAGGTCAAACTCGTCTCCATTGAGCAGGTCATCCAAGTGGGGGTCA[T>C]TGGTCTCCAGGTTTTCTAAGGTGCCAAGTTCATCATCACCCTTGGCCACATCCACACCCA-3'
Protein context (NP_003473.3, residues 3024-3044): ELGTLENLET[Asn3034Ser]DPHLDDLLNG

ClinVar aggregate classification (germline): Conflicting classifications of pathogenicity. Review status: criteria provided, conflicting classifications (1 of 4 stars). 2 submissions from 2 submitters: Uncertain significance (1); Benign (1). Last evaluated 2025-08-21.

Conditions:
Kabuki syndrome 1 (KABUK1). Also called: KMT2D-Related Kabuki Syndrome. Identifiers: Orphanet 2322, MedGen CN030661, MONDO:0007843, OMIM 147920.
Kabuki syndrome. Also called: Kabuki make-up syndrome; NIIKAWA-KUROKI SYNDROME. Identifiers: Orphanet 2322, MedGen C0796004, MONDO:0016512.

Allele frequency attached by ClinVar (database versions not stated): gnomAD exomes 0.00001 and 0.00002; TOPMed 0.00001; ExAC 0.00002.
gnomAD v4.1: 16 of 1,613,872 alleles (0.00099%); highest among the groups gnomAD compares: African/African-American, 0.0013%; no homozygotes.

Submissions (2):

Labcorp Genetics (formerly Invitae), Labcorp
Classification: Benign for Kabuki syndrome. Last evaluated: 2025-08-21. Review status: criteria provided, single submitter. Criteria: Invitae Variant Classification Sherloc (09022015). Collection method: clinical testing. Allele origin: germline.

Laboratory of Prof. Karen Avraham, Tel Aviv University
Classification: Uncertain significance for Kabuki syndrome 1. Last evaluated: 2024-12-25. Review status: criteria provided, single submitter. Criteria: ACMG Guidelines, 2015. Collection method: research. Allele origin: germline. Affected: yes. Observed: 1 variant allele.
Comment: The KMT2D c.9101A>G:p.(Asn3034Ser) heterozygous, predicted deleterious, variant is a founder in the Ashkenazi Jewish population.